The following is an entry in ClinVar:

ClinVar aggregate classification (germline): Uncertain significance. Review status: criteria provided, multiple submitters, no conflicts (2 of 4 stars). 4 submissions from 4 submitters: Uncertain significance (3). 1 of the submissions does not count toward it. Last evaluated 2025-08-10.

Conditions:
Hereditary cancer-predisposing syndrome. Also called: Neoplastic Syndromes, Hereditary; Tumor predisposition; Hereditary neoplastic syndrome; Hereditary Cancer Syndrome. Identifiers: Orphanet 140162, MedGen C0027672, MeSH D009386, MONDO:0015356.
Bloom syndrome (BLM). Also called: Bloom-Torre-Machacek syndrome. Identifiers: Orphanet 125, MedGen C0005859, MONDO:0008876, OMIM 210900.

Allele frequency attached by ClinVar (database versions not stated): gnomAD exomes below 0.00001; TOPMed below 0.00001.
gnomAD v4.1: 1 of 1,614,090 alleles (0.000062%); highest among the groups gnomAD compares: Non-Finnish European, 0.000085%; no homozygotes.

Submissions (4):

Labcorp Genetics (formerly Invitae), Labcorp
Classification: Uncertain significance for Bloom syndrome. Last evaluated: 2025-08-10. Review status: criteria provided, single submitter. Criteria: Invitae Variant Classification Sherloc (09022015). Collection method: clinical testing. Allele origin: germline.
Comment: This sequence change replaces serine, which is neutral and polar, with arginine, which is basic and polar, at codon 1310 of the BLM protein (p.Ser1310Arg). This variant is present in population databases (no rsID available, gnomAD 0.0009%). This variant has not been reported in the literature in individuals affected with BLM-related conditions. ClinVar contains an entry for this variant (Variation ID: 317412). Invitae Evidence Modeling of protein sequence and biophysical properties (such as structural, functional, and spatial information, amino acid conservation, physicochemical variation, residue mobility, and thermodynamic stability) indicates that this missense variant is not expected to disrupt BLM protein function with a negative predictive value of 80%. In summary, the available evidence is currently insufficient to determine the role of this variant in disease. Therefore, it has been classified as a Variant of Uncertain Significance.

Ambry Genetics
Classification: Uncertain significance for Hereditary cancer-predisposing syndrome. Last evaluated: 2025-05-31. Review status: criteria provided, single submitter. Criteria: Ambry Variant Classification Scheme 2023. Collection method: clinical testing. Allele origin: germline.
Comment: The p.S1310R variant (also known as c.3930T>G), located in coding exon 20 of the BLM gene, results from a T to G substitution at nucleotide position 3930. The serine at codon 1310 is replaced by arginine, an amino acid with dissimilar properties. This amino acid position is not well conserved in available vertebrate species. In addition, this alteration is predicted to be tolerated by in silico analysis. Since supporting evidence is limited at this time, the clinical significance of this alteration remains unclear.

Illumina Laboratory Services, Illumina
Classification: Uncertain significance for Bloom syndrome. Last evaluated: 2018-01-13. Review status: criteria provided, single submitter. Criteria: ICSL Variant Classification Criteria 13 December 2019. Collection method: clinical testing. Allele origin: germline.

Natera, Inc.
Classification: Uncertain significance for Bloom syndrome. Last evaluated: 2020-09-16. Review status: no assertion criteria provided. Collection method: clinical testing. Allele origin: germline. Not counted in ClinVar's aggregate classification.

NM_000057.4(BLM):c.3930T>G (p.Ser1310Arg)

Gene: BLM (BLM RecQ like helicase; plus strand). Cytogenetic location: 15q26.1.
Variant type: single nucleotide variant.
Coding change: c.3930T>G on transcript NM_000057.4 (MANE Select); coding-DNA position 3930, T replaced by G.
Protein change: p.Ser1310Arg; replaces serine 1310 with arginine.
Molecular consequence: missense variant.
Genome position (GRCh38, 1-based): chr15:90,811,260, T>G. VCF-style: chr15-90811260-T-G. GRCh37 (hg19) VCF-style: chr15-91354490-T-G.
Other names: c.3930T>G (LRG_20t1); c.3930T>G, p.Ser1310Arg (NM_001287246.2); c.3537T>G, p.Ser1179Arg (NM_001287247.2); c.2805T>G, p.Ser935Arg (NM_001287248.2); short protein forms S1310R, S935R, S1179R.
Identifiers: ClinVar variation 317412 (VCV000317412.20), dbSNP rs886051552, ClinGen allele CA10642709.